The following continues an entry in ClinVar:

NM_000518.4(HBB):c.364G>A (p.Glu122Lys)

ClinVar aggregate classification (germline): Pathogenic/Likely pathogenic. Pathogenic (10); Likely pathogenic (1).

Submissions 5 to 14 of 14:

Labcorp Genetics (formerly Invitae), Labcorp
Classification: Pathogenic. Last evaluated: 2024-02-04. Review status: criteria provided, single submitter. Criteria: Invitae Variant Classification Sherloc (09022015). Collection method: clinical testing. Allele origin: germline.
Comment: This sequence change replaces glutamic acid, which is acidic and polar, with lysine, which is basic and polar, at codon 122 of the HBB protein (p.Glu122Lys). The frequency data for this variant in the population databases is considered unreliable, as metrics indicate poor data quality at this position in the gnomAD database. This missense change has been observed in individual(s) with sickle cell anemia (PMID: 3859465, 5481775). In at least one individual the data is consistent with being in trans (on the opposite chromosome) from a pathogenic variant. It has also been observed to segregate with disease in related individuals. This variant is also known as HbO-Arab or p.Glu121Lys. ClinVar contains an entry for this variant (Variation ID: 15292). Advanced modeling of protein sequence and biophysical properties (such as structural, functional, and spatial information, amino acid conservation, physicochemical variation, residue mobility, and thermodynamic stability) has been performed at Invitae for this missense variant, however the output from this modeling did not meet the statistical confidence thresholds required to predict the impact of this variant on HBB protein function. This variant disrupts the p.Glu122 amino acid residue in HBB. Other variant(s) that disrupt this residue have been determined to be pathogenic (PMID: 24245819, 24616059, 25666204). This suggests that this residue is clinically significant, and that variants that disrupt this residue are likely to be disease-causing. For these reasons, this variant has been classified as Pathogenic.

Blueprint Genetics
Classification: Pathogenic for HBB-related disorders. Last evaluated: 2023-02-21. Review status: criteria provided, single submitter. Criteria: ACMG Guidelines, 2015. Collection method: clinical testing. Allele origin: germline. Affected: yes. Observed: 4 variant alleles.

Fulgent Genetics
Classification: Pathogenic for Heinz body anemia; Hereditary persistence of fetal hemoglobin; Dominant beta-thalassemia; Hb SS disease; alpha Thalassemia; Malaria, susceptibility to; Beta-thalassemia HBB/LCRB; METHEMOGLOBINEMIA, BETA TYPE; Erythrocytosis, familial, 6. Last evaluated: 2022-03-25. Review status: criteria provided, single submitter. Criteria: ACMG Guidelines, 2015. Collection method: clinical testing. Allele origin: unknown.

Myriad Genetics, Inc.
Classification: Pathogenic for Beta-thalassemia HBB/LCRB. Last evaluated: 2019-12-17. Review status: criteria provided, single submitter. Criteria: Myriad Women's Health Autosomal Recessive and X-Linked Classification Criteria (2019). Collection method: clinical testing. Allele origin: unknown.
Comment: NM_000518.4(HBB):c.364G>A(E122K, aka Hb O-Arab) is classified as pathogenic in the context of Hb beta chain-related hemoglobinopathy and is associated with hemoglobin O-Arab. Sources cited for classification include the following: PMID 1112610, 893136 and 5481775. Classification of NM_000518.4(HBB):c.364G>A(E122K, aka Hb O-Arab) is based on the following criteria: This is a well-established pathogenic variant in the literature that has been observed more frequently in patients with clinical diagnoses than in healthy populations. Please note: this variant was assessed in the context of healthy population screening.

Institute for Genomic Medicine (IGM) Clinical Laboratory, Nationwide Children's Hospital
Classification: Likely pathogenic for Hb SS disease. Last evaluated: 2018-05-09. Review status: criteria provided, single submitter. Criteria: ACMG Guidelines, 2015. Collection method: clinical testing. Allele origin: germline. Affected: yes.
Comment: [ACMG/AMP: PS4, PM2, PM3, PP5] This alteration has a prevalence that is significantly increased compared with controls (RR/OR > 5; CI does not include 1.0) [PS4], is absent from or rarely observed in large-scale population databases [PM2], is detected in trans with a known pathogenic variant [PM3], was reported as a pathogenic/likely pathogenic alteration by a reputable source (ClinVar or other correspondence from a clinical testing laboratory) [PP5].

Women's Health and Genetics/Laboratory Corporation of America, LabCorp
Classification: Pathogenic for Sickle cell-Hemoglobin O Arab disease. Last evaluated: 2016-08-22. Review status: criteria provided, single submitter. Criteria: LabCorp Variant Classification Summary - May 2015. Collection method: clinical testing. Allele origin: germline.
Comment: Variant summary: The HBB c.364G>A (p.Glu122Lys) variant involves the alteration of a conserved nucleotide. 3/4 in silico tools predict a benign outcome for this variant (SNPs&GO not captured due to low reliability index). This variant was found in 1/121410 control chromosomes at a frequency of 0.0000082, which does not exceed the estimated maximal expected allele frequency of a pathogenic HBB variant (0.0111803). this missense variant, also called Hb O-Thrace or Egypt, is a well-known variant that associates with Hb O disease (sickle cell disease and beta-thalassemia). When variant is seen in homozygous state, it does not cause BTHAL, but instead a mild anemia. When seen in trans with Hb S, it causes severe SICKLE disease similar to Hb S homozyotes. When seen in trans with BTHAL DV, it causes a mild to moderately severe anemia (which can have similarities to BTHAL-intermedia) which is worse than the anemia seen in Hb O homozygotes. Studies (Milner_NEJM_1970 and Rachmilewitz_HumGenet_1985) have shown hemoglobin function was impaired in patients with compound het for Hb O-Arab and Hb S. In addition, multiple reputable databases classified this variant as pathogenic. Taken together, this variant is classified as pathogenic.

Baylor Genetics
Classification: Pathogenic for Hb SS disease. Review status: criteria provided, single submitter. Criteria: ACMG Guidelines, 2015. Collection method: clinical testing. Allele origin: germline.

OMIM
Classification: other for HEMOGLOBIN O (ARAB). Last evaluated: 2017-12-12. Review status: no assertion criteria provided. Collection method: literature only. Allele origin: germline. Not counted in ClinVar's aggregate classification.

OMIM
Classification: other for HEMOGLOBIN EGYPT. Last evaluated: 2017-12-12. Review status: no assertion criteria provided. Collection method: literature only. Allele origin: germline. Not counted in ClinVar's aggregate classification.

GeneReviews
No classification provided. Condition: Hb SS disease. Review status: no classification provided. Collection method: literature only. Allele origin: germline. Not counted in ClinVar's aggregate classification.

Literature cited by the submitters: PubMed 5481775 (cited by 5 submitters); PubMed 9834244 (cited by Rady Children's Institute for Genomic Medicine, Rady Children's Hospital San Diego and Women's Health and Genetics/Laboratory Corporation of America, LabCorp); PubMed 20301551 (cited by Rady Children's Institute for Genomic Medicine, Rady Children's Hospital San Diego); PubMed 20301599 (cited by Rady Children's Institute for Genomic Medicine, Rady Children's Hospital San Diego); PubMed 20954261 (cited by Rady Children's Institute for Genomic Medicine, Rady Children's Hospital San Diego and Quest Diagnostics Nichols Institute San Juan Capistrano); PubMed 21194265 (cited by Rady Children's Institute for Genomic Medicine, Rady Children's Hospital San Diego); PubMed 33091040 (cited by Rady Children's Institute for Genomic Medicine, Rady Children's Hospital San Diego and Quest Diagnostics Nichols Institute San Juan Capistrano); PubMed 28361595 (cited by Natera, Inc.); PubMed 23461145 (cited by Natera, Inc.); PubMed 8112743 (cited by Natera, Inc.); PubMed 32371413 (cited by Quest Diagnostics Nichols Institute San Juan Capistrano); PubMed 31553106 (cited by Quest Diagnostics Nichols Institute San Juan Capistrano); PubMed 31973650 (cited by Quest Diagnostics Nichols Institute San Juan Capistrano); PubMed 37554704 (cited by Quest Diagnostics Nichols Institute San Juan Capistrano); PubMed 36695330 (cited by Quest Diagnostics Nichols Institute San Juan Capistrano); PubMed 35064169 (cited by Quest Diagnostics Nichols Institute San Juan Capistrano); PubMed 3859465 (cited by 3 submitters); PubMed 7908281 (cited by Quest Diagnostics Nichols Institute San Juan Capistrano); PubMed 22975760 (cited by Quest Diagnostics Nichols Institute San Juan Capistrano and Women's Health and Genetics/Laboratory Corporation of America, LabCorp); PubMed 10203101 (cited by Quest Diagnostics Nichols Institute San Juan Capistrano); PubMed 24880717 (cited by Quest Diagnostics Nichols Institute San Juan Capistrano and Women's Health and Genetics/Laboratory Corporation of America, LabCorp); PubMed 10583251 (cited by Quest Diagnostics Nichols Institute San Juan Capistrano); PubMed 20788973 (cited by Quest Diagnostics Nichols Institute San Juan Capistrano and OMIM); PubMed 24245819 (cited by Labcorp Genetics (formerly Invitae), Labcorp); PubMed 24616059 (cited by Labcorp Genetics (formerly Invitae), Labcorp); PubMed 25666204 (cited by Labcorp Genetics (formerly Invitae), Labcorp); PubMed 1112610 (cited by Myriad Genetics, Inc. and Women's Health and Genetics/Laboratory Corporation of America, LabCorp); PubMed 893136 (cited by Myriad Genetics, Inc.); PubMed 11179419 (cited by Women's Health and Genetics/Laboratory Corporation of America, LabCorp); PubMed 1732017 (cited by Women's Health and Genetics/Laboratory Corporation of America, LabCorp); PubMed 5609824 (cited by OMIM); PubMed 6246994 (cited by OMIM); PubMed 3840039 (cited by OMIM); PubMed 5915974 (cited by OMIM); PubMed 5619995 (cited by OMIM); PubMed 14973 (cited by OMIM); NCBI Bookshelf NBK1377 (cited by GeneReviews).